The following is an entry in ClinVar:

ClinVar aggregate classification (germline): Uncertain significance. Review status: criteria provided, multiple submitters, no conflicts (2 of 4 stars). 2 submissions from 2 submitters: Uncertain significance (2). Last evaluated 2025-04-13.

Allele frequency attached by ClinVar (database versions not stated): ExAC 0.00004; gnomAD 0.00006; TOPMed 0.00006; gnomAD exomes 0.00016.
gnomAD v4.1: 242 of 1,613,772 alleles (0.015%); highest among the groups gnomAD compares: Non-Finnish European, 0.019%; no homozygotes.

Submissions (2):

Ambry Genetics
Classification: Uncertain significance. Last evaluated: 2025-04-13. Review status: criteria provided, single submitter. Criteria: Ambry Variant Classification Scheme 2023. Collection method: clinical testing. Allele origin: germline.

Labcorp Genetics (formerly Invitae), Labcorp
Classification: Uncertain significance. Last evaluated: 2025-01-01. Review status: criteria provided, single submitter. Criteria: Invitae Variant Classification Sherloc (09022015). Collection method: clinical testing. Allele origin: germline.
Comment: This sequence change replaces isoleucine, which is neutral and non-polar, with valine, which is neutral and non-polar, at codon 254 of the TRAP1 protein (p.Ile254Val). This variant is present in population databases (rs576766808, gnomAD 0.01%). This variant has not been reported in the literature in individuals affected with TRAP1-related conditions. ClinVar contains an entry for this variant (Variation ID: 3181934). Invitae Evidence Modeling of protein sequence and biophysical properties (such as structural, functional, and spatial information, amino acid conservation, physicochemical variation, residue mobility, and thermodynamic stability) indicates that this missense variant is not expected to disrupt TRAP1 protein function with a negative predictive value of 80%. In summary, the available evidence is currently insufficient to determine the role of this variant in disease. Therefore, it has been classified as a Variant of Uncertain Significance.

NM_016292.3(TRAP1):c.760A>G (p.Ile254Val)

Gene: TRAP1 (TNF receptor associated protein 1; minus strand). Cytogenetic location: 16p13.3.
Variant type: single nucleotide variant.
Coding change: c.760A>G on transcript NM_016292.3 (MANE Select); coding-DNA position 760, A replaced by G.
Protein change: p.Ile254Val; replaces isoleucine 254 with valine.
Molecular consequence: missense variant.
Genome position (GRCh38, 1-based): chr16:3,676,090, T>C on the plus strand (A>G on the coding strand, the complement: TRAP1 is on the minus strand). VCF-style: chr16-3676090-T-C. GRCh37 (hg19) VCF-style: chr16-3726091-T-C.
Other names: c.601A>G, p.Ile201Val (NM_001272049.2); short protein forms I254V, I201V.
Identifiers: ClinVar variation 3181934 (VCV003181934.4), dbSNP rs576766808, ClinGen allele CA7868509.